The following is an entry in ClinVar:

ClinVar aggregate classification (germline): Uncertain significance (1 of 4 stars; one submission).

Submission:

Labcorp Genetics (formerly Invitae), Labcorp
Classification: Uncertain significance. Last evaluated: 2022-12-06. Review status: criteria provided, single submitter. Criteria: Invitae Variant Classification Sherloc (09022015). Collection method: clinical testing. Allele origin: germline.
Comment: In summary, the available evidence is currently insufficient to determine the role of this variant in disease. Therefore, it has been classified as a Variant of Uncertain Significance. Algorithms developed to predict the effect of missense changes on protein structure and function (SIFT, PolyPhen-2, Align-GVGD) all suggest that this variant is likely to be disruptive. This variant has not been reported in the literature in individuals affected with COL4A5-related conditions. This variant is not present in population databases (gnomAD no frequency). This sequence change replaces asparagine, which is neutral and polar, with serine, which is neutral and polar, at codon 1643 of the COL4A5 protein (p.Asn1643Ser).

NM_033380.3(COL4A5):c.4946A>G (p.Asn1649Ser)

Gene: COL4A5 (collagen type IV alpha 5 chain; plus strand). Cytogenetic location: Xq22.3.
Variant type: single nucleotide variant.
Coding change: c.4946A>G on transcript NM_033380.3 (MANE Select); coding-DNA position 4946, A replaced by G.
Protein change: p.Asn1649Ser; replaces asparagine 1649 with serine.
Molecular consequence: missense variant.
Genome position (GRCh38, 1-based): chrX:108,695,391, A>G. VCF-style: chrX-108695391-A-G. GRCh37 (hg19) VCF-style: chrX-107938621-A-G.
Other names: c.4928A>G, p.Asn1643Ser (NM_000495.5); short protein forms N1643S, N1649S.
Identifiers: ClinVar variation 2818952 (VCV002818952.3), dbSNP rs2524654266, ClinGen allele CA414132906.